The following is an entry in ClinVar:

NM_020937.4(FANCM):c.1875T>A (p.Ser625Arg)

Gene: FANCM (FA complementation group M; plus strand). Cytogenetic location: 14q21.2.
Variant type: single nucleotide variant.
Coding change: c.1875T>A on transcript NM_020937.4 (MANE Select); coding-DNA position 1875, T replaced by A.
Protein change: p.Ser625Arg; replaces serine 625 with arginine.
Molecular consequence: missense variant.
Genome position (GRCh38, 1-based): chr14:45,167,036, T>A. VCF-style: chr14-45167036-T-A. GRCh37 (hg19) VCF-style: chr14-45636239-T-A.
Other names: c.1797T>A, p.Ser599Arg (NM_001308133.2); c.1875T>A, p.Ser625Arg (NM_001308134.2); short protein forms S599R, S625R.
Identifiers: ClinVar variation 3848598 (VCV003848598.1).

ClinVar aggregate classification (germline): Uncertain significance (1 of 4 stars; one submission).

Conditions:
Inborn genetic diseases. Identifiers: MedGen C0950123, MeSH D030342.

gnomAD v4.1: 3 of 1,611,870 alleles (0.00019%); highest among the groups gnomAD compares: Non-Finnish European, 0.00025%; no homozygotes.

Submission:

Ambry Genetics
Classification: Uncertain significance for Inborn genetic diseases. Last evaluated: 2025-01-08. Review status: criteria provided, single submitter. Criteria: Ambry Variant Classification Scheme 2023. Collection method: clinical testing. Allele origin: germline.
Comment: The p.S625R variant (also known as c.1875T>A), located in coding exon 11 of the FANCM gene, results from a T to A substitution at nucleotide position 1875. The serine at codon 625 is replaced by arginine, an amino acid with dissimilar properties. This amino acid position is conserved. In addition, the in silico prediction for this alteration is inconclusive. Based on the available evidence, the clinical significance of this variant remains unclear.